The following is an entry in ClinVar:

ClinVar aggregate classification (germline): Uncertain significance. Review status: criteria provided, single submitter (1 of 4 stars). 2 submissions from 2 submitters: Uncertain significance (1). 1 of the submissions does not count toward it. Last evaluated 2021-08-31.

Conditions:
Polyglandular autoimmune syndrome, type 1 (APS1). Also called: Autoimmune polyendocrine syndrome type 1; Autoimmune polyendocrinopathy syndrome , type I, with or without reversible metaphyseal dysplasia; HYPOADRENOCORTICISM WITH HYPOPARATHYROIDISM AND SUPERFICIAL MONILIASIS; PGA I; AUTOIMMUNE POLYENDOCRINE SYNDROME, TYPE I, WITH OR WITHOUT REVERSIBLE METAPHYSEAL DYSPLASIA; APS I. Identifiers: Orphanet 3453, MedGen C0085859, MONDO:0009411, OMIM 240300.

Allele frequency attached by ClinVar (database versions not stated): gnomAD exomes 0.00001 and 0.00002.
gnomAD v4.1: 9 of 1,561,660 alleles (0.00058%); highest among the groups gnomAD compares: Non-Finnish European, 0.00078%; no homozygotes.

Submissions (2):

Labcorp Genetics (formerly Invitae), Labcorp
Classification: Uncertain significance for Polyglandular autoimmune syndrome, type 1. Last evaluated: 2021-08-31. Review status: criteria provided, single submitter. Criteria: Invitae Variant Classification Sherloc (09022015). Collection method: clinical testing. Allele origin: germline.
Comment: This sequence change replaces glycine with aspartic acid at codon 424 of the AIRE protein (p.Gly424Asp). The glycine residue is moderately conserved and there is a moderate physicochemical difference between glycine and aspartic acid. The frequency data for this variant in the population databases is considered unreliable, as metrics indicate insufficient coverage at this position in the ExAC database. This variant has not been reported in the literature in individuals affected with AIRE-related conditions. Algorithms developed to predict the effect of missense changes on protein structure and function are either unavailable or do not agree on the potential impact of this missense change (SIFT: "Tolerated"; PolyPhen-2: "Possibly Damaging"; Align-GVGD: "Class C0"). In summary, the available evidence is currently insufficient to determine the role of this variant in disease. Therefore, it has been classified as a Variant of Uncertain Significance.

Natera, Inc.
Classification: Uncertain significance for Polyglandular autoimmune syndrome type 1. Last evaluated: 2020-05-27. Review status: no assertion criteria provided. Collection method: clinical testing. Allele origin: germline. Not counted in ClinVar's aggregate classification.

NM_000383.4(AIRE):c.1271G>A (p.Gly424Asp)

Gene: AIRE (autoimmune regulator; plus strand). Cytogenetic location: 21q22.3.
Variant type: single nucleotide variant.
Coding change: c.1271G>A on transcript NM_000383.4 (MANE Select); coding-DNA position 1271, G replaced by A.
Protein change: p.Gly424Asp; replaces glycine 424 with aspartic acid.
Molecular consequence: missense variant.
Genome position (GRCh38, 1-based): chr21:44,293,168, G>A. VCF-style: chr21-44293168-G-A. GRCh37 (hg19) VCF-style: chr21-45713051-G-A.
Other names: short protein forms G424D.
Identifiers: ClinVar variation 954121 (VCV000954121.10), dbSNP rs1208287091, ClinGen allele CA410425576.